The following is an entry in ClinVar:

ClinVar aggregate classification (germline): Uncertain significance (1 of 4 stars; one submission).

Submission:

Labcorp Genetics (formerly Invitae), Labcorp
Classification: Uncertain significance. Last evaluated: 2021-09-18. Review status: criteria provided, single submitter. Criteria: Invitae Variant Classification Sherloc (09022015). Collection method: clinical testing. Allele origin: germline.
Comment: In summary, the available evidence is currently insufficient to determine the role of this variant in disease. Therefore, it has been classified as a Variant of Uncertain Significance. Algorithms developed to predict the effect of missense changes on protein structure and function are either unavailable or do not agree on the potential impact of this missense change (SIFT: "Tolerated"; PolyPhen-2: "Possibly Damaging"; Align-GVGD: "Class C0"). This variant is not present in population databases (ExAC no frequency). This variant has not been reported in the literature in individuals with RHOBTB2-related conditions. This sequence change replaces phenylalanine with isoleucine at codon 668 of the RHOBTB2 protein (p.Phe668Ile). The phenylalanine residue is highly conserved and there is a small physicochemical difference between phenylalanine and isoleucine.

NM_015178.3(RHOBTB2):c.1936T>A (p.Phe646Ile)

Gene: RHOBTB2 (Rho related BTB domain containing 2; plus strand). Cytogenetic location: 8p21.3.
Variant type: single nucleotide variant.
Coding change: c.1936T>A on transcript NM_015178.3 (MANE Select); coding-DNA position 1936, T replaced by A.
Protein change: p.Phe646Ile; replaces phenylalanine 646 with isoleucine.
Molecular consequence: missense variant.
Genome position (GRCh38, 1-based): chr8:23,015,713, T>A. VCF-style: chr8-23015713-T-A. GRCh37 (hg19) VCF-style: chr8-22873226-T-A.
Other names: c.2002T>A, p.Phe668Ile (NM_001160036.2); c.1957T>A, p.Phe653Ile (NM_001160037.2); c.1936T>A, p.Phe646Ile (NM_001374791.1); short protein forms F668I, F646I, F653I.
Identifiers: ClinVar variation 1468907 (VCV001468907.8), dbSNP rs1811272183, ClinGen allele CA370575980.